The following is an entry in ClinVar:

ClinVar aggregate classification (germline): Benign (1 of 4 stars; one submission).

Allele frequency attached by ClinVar (database versions not stated): gnomAD 0.03280 and 0.03451; TOPMed 0.03636; 1000 Genomes Project 0.03814; 1000 Genomes Project 30x 0.03951.
gnomAD v4.1: 4,963 of 152,250 alleles (3.3%); highest among the groups gnomAD compares: African/African-American, 8.9%; 195 homozygotes.

Submission:

GeneDx
Classification: Benign. Last evaluated: 2018-06-16. Review status: criteria provided, single submitter. Criteria: GeneDx Variant Classification (06012015). Collection method: clinical testing. Allele origin: germline. Affected: yes.
Comment: This variant is considered likely benign or benign based on one or more of the following criteria: it is a conservative change, it occurs at a poorly conserved position in the protein, it is predicted to be benign by multiple in silico algorithms, and/or has population frequency not consistent with disease.

NM_003036.4(SKI):c.1768-307T>G

Gene: SKI (SKI proto-oncogene; plus strand). Cytogenetic location: 1p36.32.
Variant type: single nucleotide variant.
Coding change: c.1768-307T>G on transcript NM_003036.4 (MANE Select); 307 bases into the intron before coding-DNA position 1768, T replaced by G.
Molecular consequence: intron variant.
Genome position (GRCh38, 1-based): chr1:2,305,713, T>G. VCF-style: chr1-2305713-T-G. GRCh37 (hg19) VCF-style: chr1-2237152-T-G.
Identifiers: ClinVar variation 680973 (VCV000680973.1), dbSNP rs75635289, ClinGen allele CA16897445.
Genomic context (GRCh38, chr1:2,305,713, plus strand): 5'-GATGGTGCGATGTCTGAGGCTGCCCTCCTCACATTGATGGGAGCCAGGGCCTACTTGGCT[T>G]GCTGCCCCCAAGGGGAACGTGGCCCTAGATACCGGGGGAGGCCCCGCCGCAGCCTCAAGT-3'